The following is an entry in ClinVar:

NM_152328.5(ADSS1):c.1355C>T (p.Ser452Leu)

Gene: ADSS1 (adenylosuccinate synthase 1; plus strand). Cytogenetic location: 14q32.33.
Variant type: single nucleotide variant.
Coding change: c.1355C>T on transcript NM_152328.5 (MANE Select); coding-DNA position 1355, C replaced by T.
Protein change: p.Ser452Leu; replaces serine 452 with leucine.
Molecular consequence: missense variant.
Genome position (GRCh38, 1-based): chr14:104,746,984, C>T. VCF-style: chr14-104746984-C-T. GRCh37 (hg19) VCF-style: chr14-105213321-C-T.
Other names: c.740C>T, p.Ser247Leu (NM_001320424.1); c.1484C>T, p.Ser495Leu (NM_199165.2); c.1484C>T (NM_199165.1); short protein forms S247L, S452L, S495L.
Identifiers: ClinVar variation 1682036 (VCV001682036.6), dbSNP rs146322396, ClinGen allele CA7374129.
Genomic context (GRCh38, chr14:104,746,984, plus strand): 5'-TCATAACAGTCTTTTCTGCTCTCTCAGTCAAATGGGTTGGTGTTGGCAAGTCAAGAGAGT[C>T]GATGATCCAGCTGTTTTAGTCACAGACTGAGCTGATCCCAACAGGCCCTGGCAGCGTCTG-3'
Protein context (NP_689541.1, residues 442-457): KWVGVGKSRE[Ser452Leu]MIQLF

ClinVar aggregate classification (germline): Uncertain significance. Review status: criteria provided, multiple submitters, no conflicts (2 of 4 stars). 2 submissions from 2 submitters: Uncertain significance (2). Last evaluated 2025-10-22.

Conditions:
Inborn genetic diseases. Identifiers: MedGen C0950123, MeSH D030342.

Allele frequency attached by ClinVar (database versions not stated): 1000 Genomes Project 0.00060; ESP Exome Variant Server 0.00023; 1000 Genomes Project 30x 0.00047.
gnomAD v4.1: 69 of 1,614,002 alleles (0.0043%); highest among the groups gnomAD compares: South Asian, 0.046%; 1 homozygote.

Submissions (2):

Ambry Genetics
Classification: Uncertain significance for Inborn genetic diseases. Last evaluated: 2025-10-22. Review status: criteria provided, single submitter. Criteria: Ambry Variant Classification Scheme 2023. Collection method: clinical testing. Allele origin: germline.

Labcorp Genetics (formerly Invitae), Labcorp
Classification: Uncertain significance. Last evaluated: 2022-04-16. Review status: criteria provided, single submitter. Criteria: Invitae Variant Classification Sherloc (09022015). Collection method: clinical testing. Allele origin: germline.
Comment: This sequence change replaces serine, which is neutral and polar, with leucine, which is neutral and non-polar, at codon 495 of the ADSSL1 protein (p.Ser495Leu). This variant is present in population databases (rs146322396, gnomAD 0.06%). This variant has not been reported in the literature in individuals affected with ADSSL1-related conditions. Algorithms developed to predict the effect of missense changes on protein structure and function are either unavailable or do not agree on the potential impact of this missense change (SIFT: "Not Available"; PolyPhen-2: "Possibly Damaging"; Align-GVGD: "Not Available"). In summary, the available evidence is currently insufficient to determine the role of this variant in disease. Therefore, it has been classified as a Variant of Uncertain Significance.